The following is an entry in ClinVar:

ClinVar aggregate classification (germline): Uncertain significance (1 of 4 stars; one submission).

Conditions:
Genitopatellar syndrome (GTPTS). Also called: Genitopatellar syndrome (GPS); ABSENT PATELLAE, SCROTAL HYPOPLASIA, RENAL ANOMALIES, FACIAL DYSMORPHISM, AND MENTAL RETARDATION. Identifiers: Orphanet 85201, MedGen C1853566, MONDO:0011640, OMIM 606170.

Submission:

Labcorp Genetics (formerly Invitae), Labcorp
Classification: Uncertain significance for Genitopatellar syndrome. Last evaluated: 2022-12-29. Review status: criteria provided, single submitter. Criteria: Invitae Variant Classification Sherloc (09022015). Collection method: clinical testing. Allele origin: germline.
Comment: In summary, the available evidence is currently insufficient to determine the role of this variant in disease. Therefore, it has been classified as a Variant of Uncertain Significance. Algorithms developed to predict the effect of missense changes on protein structure and function are either unavailable or do not agree on the potential impact of this missense change (SIFT: "Tolerated"; PolyPhen-2: "Possibly Damaging"; Align-GVGD: "Class C0"). This variant has not been reported in the literature in individuals affected with KAT6B-related conditions. This variant is not present in population databases (gnomAD no frequency). This sequence change replaces lysine, which is basic and polar, with asparagine, which is neutral and polar, at codon 638 of the KAT6B protein (p.Lys638Asn).

NM_012330.4(KAT6B):c.1914A>T (p.Lys638Asn)

Gene: KAT6B (lysine acetyltransferase 6B; plus strand). Cytogenetic location: 10q22.2.
Variant type: single nucleotide variant.
Coding change: c.1914A>T on transcript NM_012330.4 (MANE Select); coding-DNA position 1914, A replaced by T.
Protein change: p.Lys638Asn; replaces lysine 638 with asparagine.
Molecular consequence: missense variant. On other transcripts: intron variant (13).
Genome position (GRCh38, 1-based): chr10:74,976,251, A>T. VCF-style: chr10-74976251-A-T. GRCh37 (hg19) VCF-style: chr10-76736009-A-T.
Other names: c.1914A>T, p.Lys638Asn (NM_001370136.1, NM_001370137.1); c.1117+797A>T (NM_001370139.1, NM_001370140.1, NM_001370141.1 and 3 more transcripts); c.1444+470A>T (NM_001370138.1, NM_001256468.2); c.846+6476A>T (NM_001370133.1); c.193-2973A>T (NM_001370134.1); c.929-1065A>T (NM_001370143.1, NM_001370144.1); c.193-12768A>T (NM_001370135.1); short protein forms K638N.
Identifiers: ClinVar variation 2824766 (VCV002824766.3), dbSNP rs2548957398, ClinGen allele CA377289264.